The following is an entry in ClinVar:

NM_001378454.1(ALMS1):c.757C>T (p.Pro253Ser)

Gene: ALMS1 (ALMS1 centrosome and basal body associated protein; plus strand). Cytogenetic location: 2p13.1.
Variant type: single nucleotide variant.
Coding change: c.757C>T on transcript NM_001378454.1 (MANE Select); coding-DNA position 757, C replaced by T.
Protein change: p.Pro253Ser; replaces proline 253 with serine.
Molecular consequence: missense variant.
Genome position (GRCh38, 1-based): chr2:73,422,967, C>T. VCF-style: chr2-73422967-C-T. GRCh37 (hg19) VCF-style: chr2-73650095-C-T.
Other names: c.760C>T, p.Pro254Ser (NM_015120.4); short protein forms P254S, P253S.
Identifiers: ClinVar variation 423981 (VCV000423981.11), dbSNP rs368153355, ClinGen allele CA16617754.

ClinVar aggregate classification (germline): Uncertain significance. Review status: criteria provided, multiple submitters, no conflicts (2 of 4 stars). 5 submissions from 5 submitters: Uncertain significance (3). 2 of the submissions do not count toward it. Last evaluated 2023-09-14.

Conditions:
Cardiovascular phenotype. Identifiers: MedGen CN230736.
Alstrom syndrome (ALMS). Identifiers: Orphanet 64, MedGen C0268425, MONDO:0008763, OMIM 203800.

Allele frequency attached by ClinVar (database versions not stated): gnomAD exomes 0.00001 and 0.00002; TOPMed 0.00004; gnomAD 0.00006; ESP Exome Variant Server 0.00008.

Submissions (5):

Ambry Genetics
Classification: Uncertain significance for Cardiovascular phenotype. Last evaluated: 2023-09-14. Review status: criteria provided, single submitter. Criteria: Ambry Variant Classification Scheme 2023. Collection method: clinical testing. Allele origin: germline.
Comment: The p.P254S variant (also known as c.760C>T), located in coding exon 4 of the ALMS1 gene, results from a C to T substitution at nucleotide position 760. The proline at codon 254 is replaced by serine, an amino acid with similar properties. This amino acid position is well conserved in available vertebrate species. In addition, this alteration is predicted to be tolerated by in silico analysis. Since supporting evidence is limited at this time, the clinical significance of this alteration remains unclear.

Labcorp Genetics (formerly Invitae), Labcorp
Classification: Uncertain significance for Alstrom syndrome. Last evaluated: 2022-01-28. Review status: criteria provided, single submitter. Criteria: Invitae Variant Classification Sherloc (09022015). Collection method: clinical testing. Allele origin: germline.
Comment: This sequence change replaces proline, which is neutral and non-polar, with serine, which is neutral and polar, at codon 254 of the ALMS1 protein (p.Pro254Ser). The frequency data for this variant in the population databases is considered unreliable, as metrics indicate poor data quality at this position in the gnomAD database. This variant has not been reported in the literature in individuals affected with ALMS1-related conditions. ClinVar contains an entry for this variant (Variation ID: 423981). In summary, the available evidence is currently insufficient to determine the role of this variant in disease. Therefore, it has been classified as a Variant of Uncertain Significance.

GeneDx
Classification: Uncertain significance. Last evaluated: 2017-03-07. Review status: criteria provided, single submitter. Criteria: GeneDx Variant Classification (06012015). Collection method: clinical testing. Allele origin: germline. Affected: yes.
Comment: The P254S variant has not been publishedas pathogenic or been reported as benign to our knowledge. It is not observed at a significant frequency in largepopulation cohorts (Lek et al., 2016; 1000 Genomes Consortium et al., 2015; Exome Variant Server). The P254Svariant is a non-conservative amino acid substitution, which is likely to impact secondary protein structure as theseresidues differ in polarity, charge, size and/or other properties. However, this substitution occurs at a position that isnot conserved across species, and in silico analysis is inconsistent in its predictions as to whether or not the variant isdamaging to the protein structure/function.

Natera, Inc.
Classification: Uncertain significance for Alstrom syndrome. Last evaluated: 2021-01-21. Review status: no assertion criteria provided. Collection method: clinical testing. Allele origin: germline. Not counted in ClinVar's aggregate classification.

Counsyl
Classification: Uncertain significance for Alstrom syndrome. Last evaluated: 2017-10-03. Review status: no assertion criteria provided. Collection method: clinical testing. Allele origin: unknown. Not counted in ClinVar's aggregate classification.